The following is an entry in ClinVar:

ClinVar aggregate classification (germline): Likely benign (1 of 4 stars; one submission).

Submission:

CeGaT Center for Human Genetics Tuebingen
Classification: Likely benign. Last evaluated: 2025-08-01. Review status: criteria provided, single submitter. Criteria: CeGaT Center For Human Genetics Tuebingen Variant Classification Criteria Version 2. Collection method: clinical testing. Allele origin: germline. Affected: yes. Observed: 1 variant allele.
Comment: ALK: PM2:Supporting, BP4, BP7

NM_004304.5(ALK):c.981T>C (p.Ala327=)

Gene: ALK (ALK receptor tyrosine kinase; minus strand). Cytogenetic location: 2p23.2.
Variant type: single nucleotide variant.
Coding change: c.981T>C on transcript NM_004304.5 (MANE Select); coding-DNA position 981, T replaced by C.
Protein change: p.Ala327=; no amino-acid change (alanine 327 retained).
Molecular consequence: synonymous variant.
Genome position (GRCh38, 1-based): chr2:29,532,088, A>G on the plus strand (T>C on the coding strand, the complement: ALK is on the minus strand). VCF-style: chr2-29532088-A-G. GRCh37 (hg19) VCF-style: chr2-29754954-A-G.
Identifiers: ClinVar variation 4085682 (VCV004085682.8).